The following is an entry in ClinVar:

ClinVar aggregate classification (germline): Uncertain significance (1 of 4 stars; one submission).

Allele frequency attached by ClinVar (database versions not stated): gnomAD exomes below 0.00001.
gnomAD v4.1: 3 of 1,600,616 alleles (0.00019%); highest among the groups gnomAD compares: Non-Finnish European, 0.00026%; no homozygotes.

Submission:

GeneDx
Classification: Uncertain significance. Last evaluated: 2016-10-20. Review status: criteria provided, single submitter. Criteria: GeneDx Variant Classification (06012015). Collection method: clinical testing. Allele origin: germline. Affected: yes.
Comment: p.Arg954Lys (AGA>AAA): c.2861 G>A in exon 27 of the LRPPRC gene (NM_133259.3). The R954K variant has not been published as a mutation, nor has it been reported as a benign polymorphism to our knowledge. The R954K variant is a conservative amino acid substitution, which is not likely to impact secondary protein structure as these residues share similar properties. This substitution occurs at a position that is conserved across species. In silico analysis is inconsistent in its predictions as to whether or not the variant is damaging to the protein structure/function. Therefore, based on the currently available information, it is unclear whether this variant is a pathogenic mutation or a rare benign variant. The variant is found in MITONUC-MITOP panel(s).

NM_133259.4(LRPPRC):c.2861G>A (p.Arg954Lys)

Gene: LRPPRC (leucine rich pentatricopeptide repeat containing; minus strand). Cytogenetic location: 2p21.
Variant type: single nucleotide variant.
Coding change: c.2861G>A on transcript NM_133259.4 (MANE Select); coding-DNA position 2861, G replaced by A.
Protein change: p.Arg954Lys; replaces arginine 954 with lysine.
Molecular consequence: missense variant.
Genome position (GRCh38, 1-based): chr2:43,925,102, C>T on the plus strand (G>A on the coding strand, the complement: LRPPRC is on the minus strand). VCF-style: chr2-43925102-C-T. GRCh37 (hg19) VCF-style: chr2-44152241-C-T.
Other names: p.R954K:AGA>AAA; short protein forms R954K.
Identifiers: ClinVar variation 214623 (VCV000214623.2), dbSNP rs863224060, ClinGen allele CA324900.
Genomic context (GRCh38, chr2:43,925,102, plus strand): 5'-CGTGAAGAATAGTTAAATCACTTACTATACAGTTTTAGCAGATTGTAGTACATCTGGTCT[C>T]TATCACATTCAAATAGCTTCTGTGTCAGCTCCACTAATTTTTCCAGAGTTTCAACCTTAA-3'
Protein context (NP_573566.2, residues 944-964): ELTQKLFECD[Arg954Lys]DQMYYNLLKL